The following is an entry in ClinVar:

NM_001035.3(RYR2):c.9886A>T (p.Met3296Leu)

Gene: RYR2 (ryanodine receptor 2; plus strand). Cytogenetic location: 1q43.
Variant type: single nucleotide variant.
Coding change: c.9886A>T on transcript NM_001035.3 (MANE Select); coding-DNA position 9886, A replaced by T.
Protein change: p.Met3296Leu; replaces methionine 3296 with leucine.
Molecular consequence: missense variant.
Genome position (GRCh38, 1-based): chr1:237,707,254, A>T. VCF-style: chr1-237707254-A-T. GRCh37 (hg19) VCF-style: chr1-237870554-A-T.
Other names: short protein forms M3296L.
Identifiers: ClinVar variation 1045500 (VCV001045500.48), dbSNP rs1688459724, ClinGen allele CA345409577.

ClinVar aggregate classification (germline): Uncertain significance (1 of 4 stars; one submission).

Conditions:
Catecholaminergic polymorphic ventricular tachycardia 1. Also called: VENTRICULAR TACHYCARDIA, CATECHOLAMINERGIC POLYMORPHIC, 1, WITH OR WITHOUT ATRIAL DYSFUNCTION AND/OR DILATED CARDIOMYOPATHY; VENTRICULAR TACHYCARDIA, STRESS-INDUCED POLYMORPHIC 1; RYR2-Related Catecholaminergic Polymorphic Ventricular Tachycardia. Identifiers: Orphanet 3286, MedGen C1631597, MONDO:0011484, OMIM 604772.

Submission:

Labcorp Genetics (formerly Invitae), Labcorp
Classification: Uncertain significance for Catecholaminergic polymorphic ventricular tachycardia 1. Last evaluated: 2025-08-13. Review status: criteria provided, single submitter. Criteria: Invitae Variant Classification Sherloc (09022015). Collection method: clinical testing. Allele origin: germline.
Comment: This sequence change replaces methionine, which is neutral and non-polar, with leucine, which is neutral and non-polar, at codon 3296 of the RYR2 protein (p.Met3296Leu). This variant is not present in population databases (gnomAD no frequency). This variant has not been reported in the literature in individuals affected with RYR2-related conditions. ClinVar contains an entry for this variant (Variation ID: 1045500). Invitae Evidence Modeling of protein sequence and biophysical properties (such as structural, functional, and spatial information, amino acid conservation, physicochemical variation, residue mobility, and thermodynamic stability) indicates that this missense variant is not expected to disrupt RYR2 protein function with a negative predictive value of 95%. In summary, the available evidence is currently insufficient to determine the role of this variant in disease. Therefore, it has been classified as a Variant of Uncertain Significance.